The following is an entry in ClinVar:

Conditions:
Breast-ovarian cancer, familial, susceptibility to, 1 (BROVCA1). Also called: BRCA1 Hereditary Breast and Ovarian Cancer; OVARIAN CANCER, SUSCEPTIBILITY TO. Identifiers: Orphanet 145, MedGen C2676676, MONDO:0011450, OMIM 604370. Disease mechanism: loss of function.

Submission:

Brotman Baty Institute, University of Washington
No classification provided (evidence only). Condition: Breast-ovarian cancer, familial 1. Review status: no classification provided. Collection method: in vitro. Allele origin: not applicable. Functional consequence: functionally_normal.
ClinVar note: "not provided" was previously submitted as the classification for the variant. However, the classification appeared to be based only on an observation of functional data so it was converted to no classification on 2025-07-30.

NM_007294.4(BRCA1):c.4986+10T>C

Gene: BRCA1 (BRCA1 DNA repair associated; minus strand). Cytogenetic location: 17q21.31.
Variant type: single nucleotide variant.
Coding change: c.4986+10T>C on transcript NM_007294.4 (MANE Select); 10 bases into the intron after coding-DNA position 4986, T replaced by C.
Molecular consequence: intron variant.
Genome position (GRCh38, 1-based): chr17:43,070,918, A>G on the plus strand (T>C on the coding strand, the complement: BRCA1 is on the minus strand). VCF-style: chr17-43070918-A-G. GRCh37 (hg19) VCF-style: chr17-41222935-A-G.
Other names: c.1554+10T>C (NM_001408429.1, NM_001408426.1, NM_001408430.1 and 4 more transcripts); c.4857+10T>C (NM_001407683.1, NM_001407686.1, NM_001407685.1 and 6 more transcripts); c.4860+10T>C (NM_001407674.1, NM_001407939.1, NM_001407677.1 and 11 more transcripts); c.4863+10T>C (NM_001407919.1, NM_001407937.1, NM_001407669.1 and 6 more transcripts); c.1674+10T>C (NM_001407979.1, NM_001407982.1, NM_001407980.1 and 12 more transcripts); c.1677+10T>C (NM_001407977.1, NM_001407976.1, NM_001407974.1 and 3 more transcripts); c.4980+10T>C (NM_001407642.1, NM_001407634.1, NM_001407632.1 and 14 more transcripts); c.4983+10T>C (NM_001407625.1, NM_001407619.1, NM_001407610.1 and 17 more transcripts); and 71 more.
Identifiers: ClinVar variation 865500 (VCV000865500.3), dbSNP rs2052351450, ClinGen allele CA916080182.